The following is an entry in ClinVar:

NM_002880.4(RAF1):c.1877A>G (p.His626Arg)

Gene: RAF1 (Raf-1 proto-oncogene, serine/threonine kinase; minus strand). Cytogenetic location: 3p25.2.
Variant type: single nucleotide variant.
Coding change: c.1877A>G on transcript NM_002880.4 (MANE Select); coding-DNA position 1877, A replaced by G.
Protein change: p.His626Arg; replaces histidine 626 with arginine.
Molecular consequence: missense variant. On other transcripts: non-coding transcript variant (3).
Genome position (GRCh38, 1-based): chr3:12,584,584, T>C on the plus strand (A>G on the coding strand, the complement: RAF1 is on the minus strand). VCF-style: chr3-12584584-T-C. GRCh37 (hg19) VCF-style: chr3-12626083-T-C.
Other names: c.1937A>G, p.His646Arg (NM_001354689.3); c.1877A>G, p.His626Arg (NM_001354690.3); c.1634A>G, p.His545Arg (NM_001354691.3, NM_001354692.3); c.1778A>G, p.His593Arg (NM_001354693.3); c.1694A>G, p.His565Arg (NM_001354694.3); c.1535A>G, p.His512Arg (NM_001354695.3); short protein forms H626R, H646R, H512R, H545R, H565R, H593R.
Identifiers: ClinVar variation 520554 (VCV000520554.8), dbSNP rs1553609795, ClinGen allele CA351495773.
Genomic context (GRCh38, chr3:12,584,584, plus strand): 5'-GGCAGCCTCGGGGACGTGGTCAGCGTGCAAGCATTGATATCCTCAGTGTGGGCTGCCCGA[T>C]GCAAGGATGGCTCGGAAGCGCTCCGGTTGATCTTCGGTAGAGAGTGTTGGAGCAGCTCAA-3'
Protein context (NP_002871.1, residues 616-636): INRSASEPSL[His626Arg]RAAHTEDINA

ClinVar aggregate classification (germline): Conflicting classifications of pathogenicity. Review status: criteria provided, conflicting classifications (1 of 4 stars). 3 submissions from 3 submitters: Pathogenic (1); Uncertain significance (2). Last evaluated 2022-07-13.

Conditions:
Inborn genetic diseases. Identifiers: MedGen C0950123, MeSH D030342.
RASopathy. Also called: rasopathies; Noonan spectrum disorder. Identifiers: Orphanet 536391, MedGen C5555857, MONDO:0021060.

Allele frequency attached by ClinVar (database versions not stated): TOPMed below 0.00001; gnomAD 0.00001.
gnomAD v4.1: 1 of 1,614,050 alleles (0.000062%); highest among the groups gnomAD compares: Non-Finnish European, 0.000085%; no homozygotes.

Submissions (3):

Labcorp Genetics (formerly Invitae), Labcorp
Classification: Uncertain significance for RASopathy. Last evaluated: 2022-07-13. Review status: criteria provided, single submitter. Criteria: Invitae Variant Classification Sherloc (09022015). Collection method: clinical testing. Allele origin: germline.
Comment: Advanced modeling of protein sequence and biophysical properties (such as structural, functional, and spatial information, amino acid conservation, physicochemical variation, residue mobility, and thermodynamic stability) performed at Invitae indicates that this missense variant is expected to disrupt RAF1 protein function. ClinVar contains an entry for this variant (Variation ID: 520554). This missense change has been observed in individual(s) with dilated cardiomyopathy (PMID: 24777450). This variant is not present in population databases (gnomAD no frequency). This sequence change replaces histidine, which is basic and polar, with arginine, which is basic and polar, at codon 626 of the RAF1 protein (p.His626Arg). Experimental studies are conflicting or provide insufficient evidence to determine the effect of this variant on RAF1 function (PMID: 24777450). In summary, the available evidence is currently insufficient to determine the role of this variant in disease. Therefore, it has been classified as a Variant of Uncertain Significance.

GeneDx
Classification: Pathogenic. Last evaluated: 2018-07-10. Review status: criteria provided, single submitter. Criteria: GeneDx Variant Classification (06012015). Collection method: clinical testing. Allele origin: germline. Affected: yes.
Comment: The variant isnot observed in large population cohorts (Lek et al., 2016). H626R is a conservative amino acid substitution in theCR3 domain, which is not likely to impact secondary protein structure as these residues share similar properties. Yet,in-silico analyses, including protein predictors and evolutionary conservation, support a deleterious effect. Functionalstudies confirm H626R has a gain of function effect, increasing both phosphorylated MEK1 and RAF1 kinase activity(Dhandapany et al., 2014). We interpret this variant as pathogenic.

Ambry Genetics
Classification: Uncertain significance for Inborn genetic diseases. Last evaluated: 2015-06-29. Review status: criteria provided, single submitter. Criteria: Ambry exome assertion method (8-5-2015). Collection method: clinical testing. Allele origin: germline. Affected: yes. Observed: 1 variant allele.

Literature cited by the submitters: PubMed 24777450 (cited by Labcorp Genetics (formerly Invitae), Labcorp).